The following is an entry in ClinVar:

ClinVar aggregate classification (germline): Uncertain significance (1 of 4 stars; one submission).

Conditions:
Severe combined immunodeficiency due to DNA-PKcs deficiency. Also called: IMMUNODEFICIENCY 26 WITH NEUROLOGIC ABNORMALITIES; Immunodeficiency 26 with or without neurologic abnormalities. Identifiers: Orphanet 317425, MedGen C4014833, MONDO:0014423, OMIM 615966.

Allele frequency attached by ClinVar (database versions not stated): gnomAD exomes below 0.00001; TOPMed below 0.00001.
gnomAD v4.1: 1 of 1,614,000 alleles (0.000062%); highest among the groups gnomAD compares: Admixed American, 0.0017%; no homozygotes.

Submission:

Labcorp Genetics (formerly Invitae), Labcorp
Classification: Uncertain significance for Severe combined immunodeficiency due to DNA-PKcs deficiency. Last evaluated: 2022-04-16. Review status: criteria provided, single submitter. Criteria: Invitae Variant Classification Sherloc (09022015). Collection method: clinical testing. Allele origin: germline.
Comment: This sequence change replaces lysine, which is basic and polar, with arginine, which is basic and polar, at codon 463 of the PRKDC protein (p.Lys463Arg). This variant is not present in population databases (gnomAD no frequency). This variant has not been reported in the literature in individuals affected with PRKDC-related conditions. Experimental studies and prediction algorithms are not available or were not evaluated, and the functional significance of this variant is currently unknown. In summary, the available evidence is currently insufficient to determine the role of this variant in disease. Therefore, it has been classified as a Variant of Uncertain Significance.

NM_006904.7(PRKDC):c.1388A>G (p.Lys463Arg)

Gene: PRKDC (protein kinase, DNA-activated, catalytic subunit; minus strand). Cytogenetic location: 8q11.21.
Variant type: single nucleotide variant.
Coding change: c.1388A>G on transcript NM_006904.7 (MANE Select); coding-DNA position 1388, A replaced by G.
Protein change: p.Lys463Arg; replaces lysine 463 with arginine.
Molecular consequence: missense variant.
Genome position (GRCh38, 1-based): chr8:47,935,791, T>C on the plus strand (A>G on the coding strand, the complement: PRKDC is on the minus strand). VCF-style: chr8-47935791-T-C. GRCh37 (hg19) VCF-style: chr8-48848351-T-C.
Other names: c.1388A>G, p.Lys463Arg (NM_001081640.2); short protein forms K463R.
Identifiers: ClinVar variation 2126988 (VCV002126988.4), dbSNP rs2090339764, ClinGen allele CA371165780.